The following is an entry in ClinVar:

NM_001348323.3(TRIP12):c.1011A>T (p.Leu337Phe)

Gene: TRIP12 (thyroid hormone receptor interactor 12; minus strand). Cytogenetic location: 2q36.3.
Variant type: single nucleotide variant.
Coding change: c.1011A>T on transcript NM_001348323.3 (MANE Select); coding-DNA position 1011, A replaced by T.
Protein change: p.Leu337Phe; replaces leucine 337 with phenylalanine.
Molecular consequence: missense variant. On other transcripts: intron variant (1).
Genome position (GRCh38, 1-based): chr2:229,858,788, T>A on the plus strand (A>T on the coding strand, the complement: TRIP12 is on the minus strand). VCF-style: chr2-229858788-T-A. GRCh37 (hg19) VCF-style: chr2-230723504-T-A.
Other names: c.1011A>T, p.Leu337Phe (NM_001284214.2, NM_001348315.2, NM_001348319.1 and 13 more transcripts); c.885A>T, p.Leu295Phe (NM_001284215.2, NM_001348316.2, NM_001348317.1 and 3 more transcripts); c.924A>T, p.Leu308Phe (NM_001348332.1, NM_001348334.1); c.98+21194A>T (NM_001284216.2); short protein forms L295F, L308F, L337F.
Identifiers: ClinVar variation 2582141 (VCV002582141.1), dbSNP rs2475891353, ClinGen allele CA350893472.

ClinVar aggregate classification (germline): Uncertain significance (1 of 4 stars; one submission).

Submission:

GeneDx
Classification: Uncertain significance. Last evaluated: 2023-03-30. Review status: criteria provided, single submitter. Criteria: GeneDx Variant Classification Process June 2021. Collection method: clinical testing. Allele origin: germline. Affected: yes.
Comment: Not observed at significant frequency in large population cohorts (gnomAD); In silico analysis supports that this missense variant does not alter protein structure/function; Has not been previously published as pathogenic or benign to our knowledge